The following is an entry in ClinVar:

NM_004667.6(HERC2):c.5679C>A (p.Arg1893=)

Gene: HERC2 (HECT and RLD domain containing E3 ubiquitin protein ligase 2; minus strand). Cytogenetic location: 15q13.1.
Variant type: single nucleotide variant.
Coding change: c.5679C>A on transcript NM_004667.6 (MANE Select); coding-DNA position 5679, C replaced by A.
Protein change: p.Arg1893=; no amino-acid change (arginine 1893 retained).
Molecular consequence: synonymous variant.
Genome position (GRCh38, 1-based): chr15:28,220,618, G>T on the plus strand (C>A on the coding strand, the complement: HERC2 is on the minus strand). VCF-style: chr15-28220618-G-T. GRCh37 (hg19) VCF-style: chr15-28465764-G-T.
Identifiers: ClinVar variation 3250511 (VCV003250511.19), dbSNP rs773199051.
Genomic context (GRCh38, chr15:28,220,618, plus strand): 5'-GGTGCTGCCTGTGTCCCACTGGACTCTTATCCATCCGTCCTCTCCCAGCTCACCAATCAC[G>T]CGGCCTAGGCCTGGAGGAGGCCCATCCTGAGAAAGCCAAAGTAGAGATCAGTTAGGAGGG-3'
Protein context (NP_004658.3, residues 1883-1903): DQDGPPPGLG[Arg1893=]VIGELGEDGW

ClinVar aggregate classification (germline): Likely benign. Review status: criteria provided, multiple submitters, no conflicts (2 of 4 stars). 2 submissions from 2 submitters: Likely benign (2). Last evaluated 2024-10-11.

Allele frequency attached by ClinVar (database versions not stated): 1000 Genomes Project 30x 0.00031.

Submissions (2):

Blueprint Genetics
Classification: Likely benign. Last evaluated: 2024-10-11. Review status: criteria provided, single submitter. Criteria: ACMG Guidelines, 2015. Collection method: clinical testing. Allele origin: germline.

CeGaT Center for Human Genetics Tuebingen
Classification: Likely benign. Last evaluated: 2024-06-01. Review status: criteria provided, single submitter. Criteria: CeGaT Center For Human Genetics Tuebingen Variant Classification Criteria Version 2. Collection method: clinical testing. Allele origin: germline. Affected: yes. Observed: 1 variant allele.
Comment: HERC2: BP4, BP7